The following is an entry in ClinVar:

ClinVar aggregate classification (germline): Uncertain significance. Review status: criteria provided, single submitter (1 of 4 stars). 3 submissions from 2 submitters: Uncertain significance (2). 1 of the submissions does not count toward it.

Conditions:
Transitory neonatal diabetes mellitus. Also called: Transient neonatal diabetes mellitus. Identifiers: MedGen C0342273, MONDO:0020525, HP:0008255.
Maturity-onset diabetes of the young (MODY). Also called: Maturity onset diabetes mellitus in young. Identifiers: Orphanet 552, MedGen C0342276, MONDO:0018911, HP:0004904.
Hereditary hyperinsulinism.

Allele frequency attached by ClinVar (database versions not stated): gnomAD exomes below 0.00001; ExAC 0.00001; gnomAD 0.00001; TOPMed 0.00001.
gnomAD v4.1: 6 of 1,611,166 alleles (0.00037%); highest among the groups gnomAD compares: Non-Finnish European, 0.00042%; no homozygotes.

Submissions (3):

Clinical Genomics, Uppaluri K&H Personalized Medicine Clinic
Classification: Uncertain significance for Maturity-onset diabetes of the young. Review status: criteria provided, single submitter. Criteria: K & H Uppaluri Personalized Medicine Clinic Variant Classification & Assertion Criteria_Updated V.1. Collection method: research. Allele origin: unknown. Inheritance: Somatic mutation.
Comment: Mutations in ABCC8 gene are associated with both neonatal diabetes mellitus as well as MODY. Patients with this mutation may have a better response to sulfonylureas. However, no sufficient evidence is found to ascertain the role of this particular variant (rs763159607) in MODY yet.

Clinical Genomics, Uppaluri K&H Personalized Medicine Clinic
Classification: Uncertain significance for Transitory neonatal diabetes mellitus. Review status: criteria provided, single submitter. Criteria: K & H Uppaluri Personalized Medicine Clinic Variant Classification & Assertion Criteria_Updated V.1. Collection method: research. Allele origin: unknown. Inheritance: Somatic mutation.
Comment: Mutations in ABCC8 gene are associated with both neonatal diabetes mellitus as well as MODY. Patients with this mutation may have a better response to sulfonylureas. However, no sufficient evidence is found to ascertain the role of this particular variant (rs763159607) in neonatal diabetes yet.

Natera, Inc.
Classification: Uncertain significance for Hereditary hyperinsulinism. Last evaluated: 2020-04-10. Review status: no assertion criteria provided. Collection method: clinical testing. Allele origin: germline. Not counted in ClinVar's aggregate classification.

Literature cited by the submitters: PubMed 16885549 (cited by Clinical Genomics, Uppaluri K&H Personalized Medicine Clinic); PubMed 21989597 (cited by Clinical Genomics, Uppaluri K&H Personalized Medicine Clinic); PubMed 27538677 (cited by Clinical Genomics, Uppaluri K&H Personalized Medicine Clinic); PubMed 18981553 (cited by Clinical Genomics, Uppaluri K&H Personalized Medicine Clinic); PubMed 32027066 (cited by Clinical Genomics, Uppaluri K&H Personalized Medicine Clinic); PubMed 16613899 (cited by Clinical Genomics, Uppaluri K&H Personalized Medicine Clinic); PubMed 18025408 (cited by Clinical Genomics, Uppaluri K&H Personalized Medicine Clinic); PubMed 32792356 (cited by Clinical Genomics, Uppaluri K&H Personalized Medicine Clinic).

NM_000352.6(ABCC8):c.148+4A>T

Gene: ABCC8 (ATP binding cassette subfamily C member 8; minus strand). Cytogenetic location: 11p15.1.
Variant type: single nucleotide variant.
Coding change: c.148+4A>T on transcript NM_000352.6 (MANE Select); 4 bases into the intron after coding-DNA position 148, A replaced by T.
Molecular consequence: intron variant.
Genome position (GRCh38, 1-based): chr11:17,476,625, T>A on the plus strand (A>T on the coding strand, the complement: ABCC8 is on the minus strand). VCF-style: chr11-17476625-T-A. GRCh37 (hg19) VCF-style: chr11-17498172-T-A.
Other names: c.148+4A>T (NM_001351297.2, NM_001351296.2, NM_001351295.2 and 1 more transcripts).
Identifiers: ClinVar variation 991067 (VCV000991067.3), dbSNP rs763159607, ClinGen allele CA5903971.
Genomic context (GRCh38, chr11:17,476,625, plus strand): 5'-CAGCGCCTCCTCCTCCCTCCCTGCTCTCCCGTCCCCTCCTCCGCGGCTCGCTGCGCGCAC[T>A]CACCAATGAAGAGGATGGGGAAGGTGATGAAGAGTAGGAAGACGTGCGGCACCACGTTGA-3'